The following is an entry in ClinVar:

NM_138295.5(PKD1L1):c.737+1G>T

Gene: PKD1L1 (polycystin 1 like 1, transient receptor potential channel interacting; minus strand). Cytogenetic location: 7p12.3.
Variant type: single nucleotide variant.
Coding change: c.737+1G>T on transcript NM_138295.5 (MANE Select); the canonical splice donor site of the intron after coding-DNA position 737, G replaced by T.
Molecular consequence: splice donor variant.
Genome position (GRCh38, 1-based): chr7:47,931,103, C>A on the plus strand (G>T on the coding strand, the complement: PKD1L1 is on the minus strand). VCF-style: chr7-47931103-C-A. GRCh37 (hg19) VCF-style: chr7-47970700-C-A.
Identifiers: ClinVar variation 3050108 (VCV003050108.3), dbSNP rs1007145713, ClinGen allele CA367465125.
Genomic context (GRCh38, chr7:47,931,103, plus strand): 5'-GGATGGTTCCAGACTGGGGATTGGAGAAGTGGTGCTGGCCTCCATACCTCCTTCACCGTA[C>A]CTTCTGGGAGAAGTGGGAAAATGTGAAATCGGCCACAGGGGCACTCGCTGGGAGCTGGTC-3'

ClinVar aggregate classification (germline): Likely pathogenic (1 of 4 stars; one submission).

Conditions:
PKD1L1-related disorder. Also called: PKD1L1-related condition.

gnomAD v4.1: 1 of 1,613,460 alleles (0.000062%); highest among the groups gnomAD compares: Admixed American, 0.0017%; no homozygotes.

Submission:

PreventionGenetics, part of Exact Sciences
Classification: Likely pathogenic for PKD1L1-related condition. Last evaluated: 2025-03-03. Review status: criteria provided, single submitter. Criteria: ACMG Guidelines, 2015. Collection method: clinical testing. Allele origin: germline.
Comment: The PKD1L1 c.737+1G>T variant is predicted to disrupt the GT donor site and interfere with normal splicing. To our knowledge, this variant has not been reported in the literature. This variant is reported in 0.0029% of alleles in individuals of Latino descent in gnomAD. Variants that disrupt the consensus splice donor site in PKD1L1 are expected to be pathogenic. This variant is interpreted as likely pathogenic.